The following is an entry in ClinVar:

NM_000059.4(BRCA2):c.1126T>G (p.Phe376Val)

Gene: BRCA2 (BRCA2 DNA repair associated; plus strand). Cytogenetic location: 13q13.1.
Variant type: single nucleotide variant.
Coding change: c.1126T>G on transcript NM_000059.4 (MANE Select); coding-DNA position 1126, T replaced by G.
Protein change: p.Phe376Val; replaces phenylalanine 376 with valine.
Molecular consequence: missense variant. On other transcripts: non-coding transcript variant (1), intron variant (1).
Genome position (GRCh38, 1-based): chr13:32,332,604, T>G. VCF-style: chr13-32332604-T-G. GRCh37 (hg19) VCF-style: chr13-32906741-T-G.
Other names: c.1126T>G, p.Phe376Val (NM_001406719.1, NM_001406720.1, NM_001406721.1); c.424+1574T>G (NM_001406722.1); short protein forms F376V.
Identifiers: ClinVar variation 2697499 (VCV002697499.3), dbSNP rs2137467877, ClinGen allele CA387761698.

ClinVar aggregate classification (germline): Uncertain significance (1 of 4 stars; one submission).

Conditions:
Hereditary breast ovarian cancer syndrome. Also called: BRCA1- and BRCA2-Associated Hereditary Breast and Ovarian Cancer; Hereditary breast and ovarian cancer; Hereditary breast and ovarian cancer syndrome (HBOC); Hereditary breast and ovarian cancer syndrome; Hereditary breast and/or ovarian cancer syndrome; Breast and ovarian cancer. Identifiers: Orphanet 145, MedGen C0677776, MeSH D061325, MONDO:0003582. Disease mechanism: loss of function.

Submission:

Labcorp Genetics (formerly Invitae), Labcorp
Classification: Uncertain significance for Hereditary breast ovarian cancer syndrome. Last evaluated: 2023-09-18. Review status: criteria provided, single submitter. Criteria: Invitae Variant Classification Sherloc (09022015). Collection method: clinical testing. Allele origin: germline.
Comment: In summary, the available evidence is currently insufficient to determine the role of this variant in disease. Therefore, it has been classified as a Variant of Uncertain Significance. Advanced modeling of protein sequence and biophysical properties (such as structural, functional, and spatial information, amino acid conservation, physicochemical variation, residue mobility, and thermodynamic stability) performed at Invitae indicates that this missense variant is not expected to disrupt BRCA2 protein function. This variant has not been reported in the literature in individuals affected with BRCA2-related conditions. This variant is not present in population databases (gnomAD no frequency). This sequence change replaces phenylalanine, which is neutral and non-polar, with valine, which is neutral and non-polar, at codon 376 of the BRCA2 protein (p.Phe376Val).